The following is an entry in ClinVar:

ClinVar aggregate classification (germline): Uncertain significance. Review status: criteria provided, multiple submitters, no conflicts (2 of 4 stars). 3 submissions from 3 submitters: Uncertain significance (3). Last evaluated 2026-08-05.

Conditions:
Hereditary cancer-predisposing syndrome. Also called: Tumor predisposition; Hereditary Cancer Syndrome; Hereditary neoplastic syndrome; Neoplastic Syndromes, Hereditary. Identifiers: Orphanet 140162, MedGen C0027672, MeSH D009386, MONDO:0015356.
Gastrointestinal stromal tumor. Also called: Gastrointestinal stroma tumor; Gastrointestinal stromal tumor, somatic. Identifiers: Orphanet 44890, MedGen C0238198, MeSH D046152, MONDO:0011719, OMIM 606764, HP:0100723.

Submissions (3):

Ambry Genetics
Classification: Uncertain significance for Hereditary cancer-predisposing syndrome. Last evaluated: 2026-08-05. Review status: criteria provided, single submitter. Criteria: Ambry Variant Classification Scheme 2023. Collection method: clinical testing. Allele origin: germline.
Comment: The p.C942* variant (also known as c.2826C>A), located in coding exon 21 of the KIT gene, results from a C to A substitution at nucleotide position 2826. This changes the amino acid from a cysteine to a stop codon within coding exon 21. This variant occurs at the 3' terminus of the gene and is not expected to trigger nonsense-mediated mRNA decay. Based on the available evidence, the clinical significance of this variant remains unclear.

Labcorp Genetics (formerly Invitae), Labcorp
Classification: Uncertain significance for Gastrointestinal stromal tumor. Last evaluated: 2024-02-15. Review status: criteria provided, single submitter. Criteria: Invitae Variant Classification Sherloc (09022015). Collection method: clinical testing. Allele origin: germline.
Comment: This sequence change creates a premature translational stop signal (p.Cys942*) in the KIT gene. While this is not anticipated to result in nonsense mediated decay, it is expected to disrupt the last 35 amino acid(s) of the KIT protein. This variant is not present in population databases (gnomAD no frequency). This variant has not been reported in the literature in individuals affected with KIT-related conditions. Experimental studies and prediction algorithms are not available or were not evaluated, and the functional significance of this variant is currently unknown. In summary, the available evidence is currently insufficient to determine the role of this variant in disease. Therefore, it has been classified as a Variant of Uncertain Significance.

GeneDx
Classification: Uncertain significance. Last evaluated: 2024-02-07. Review status: criteria provided, single submitter. Criteria: GeneDx Variant Classification Process June 2021. Collection method: clinical testing. Allele origin: germline. Affected: yes.
Comment: Nonsense variant predicted to result in protein truncation as the last 35 amino acids are lost, although loss-of-function variants have not been reported downstream of this position in the protein; Not observed at significant frequency in large population cohorts (gnomAD); Has not been previously published as pathogenic or benign to our knowledge

NM_000222.3(KIT):c.2826C>A (p.Cys942Ter)

Gene: KIT (KIT proto-oncogene, receptor tyrosine kinase; plus strand). Cytogenetic location: 4q12.
Variant type: single nucleotide variant.
Coding change: c.2826C>A on transcript NM_000222.3 (MANE Select); coding-DNA position 2826, C replaced by A.
Protein change: p.Cys942Ter; replaces cysteine 942 with a stop codon.
Molecular consequence: nonsense.
Genome position (GRCh38, 1-based): chr4:54,738,452, C>A. VCF-style: chr4-54738452-C-A. GRCh37 (hg19) VCF-style: chr4-55604618-C-A.
Other names: c.2814C>A, p.Cys938Ter (NM_001093772.2, NM_001385292.1); c.2829C>A, p.Cys943Ter (NM_001385284.1); c.2823C>A, p.Cys941Ter (NM_001385285.1); c.2811C>A, p.Cys937Ter (NM_001385286.1); c.2817C>A, p.Cys939Ter (NM_001385288.1); c.2826C>A, p.Cys942Ter (NM_001385290.1); short protein forms C937*, C938*, C939*, C941*, C942*, C943*.
Identifiers: ClinVar variation 3368857 (VCV003368857.5).